The following is an entry in ClinVar:

NM_001184.4(ATR):c.6097C>T (p.Pro2033Ser)

Genes: ATR (ATR serine/threonine kinase; minus strand), LOC126806830 (BRD4-independent group 4 enhancer GRCh37_chr3:142203676-142204875; plus strand). Cytogenetic location: 3q23.
Variant type: single nucleotide variant.
Coding change: c.6097C>T on transcript NM_001184.4 (MANE Select); coding-DNA position 6097, C replaced by T.
Protein change: p.Pro2033Ser; replaces proline 2033 with serine.
Molecular consequence: missense variant.
Genome position (GRCh38, 1-based): chr3:142,485,264, G>A on the plus strand (C>T on the coding strand, the complement: ATR is on the minus strand). VCF-style: chr3-142485264-G-A. GRCh37 (hg19) VCF-style: chr3-142204106-G-A.
Other names: c.5905C>T, p.Pro1969Ser (NM_001354579.2); short protein forms P1969S, P2033S.
Identifiers: ClinVar variation 1061375 (VCV001061375.8), dbSNP rs746541119, ClinGen allele CA354809799.
Genomic context (GRCh38, chr3:142,485,264, plus strand): 5'-CCATGGGCATCAATTTGTCATAGTACTTGGCAAGGTAAAAATGCCCATCCTCCCATTCTG[G>A]CAGGCACGCGGTCACATCCTATAAAAAAGAACATAGGATACCTACCTAAGGAAATCCCAC-3'
Protein context (NP_001175.2, residues 2023-2043): KKYKDVTACL[Pro2033Ser]EWEDGHFYLA

ClinVar aggregate classification (germline): Uncertain significance (1 of 4 stars; one submission).

Allele frequency attached by ClinVar (database versions not stated): gnomAD 0.00001.
gnomAD v4.1: 1 of 1,613,940 alleles (0.000062%); highest among the groups gnomAD compares: Admixed American, 0.0017%; no homozygotes.

Submission:

Labcorp Genetics (formerly Invitae), Labcorp
Classification: Uncertain significance. Last evaluated: 2020-04-26. Review status: criteria provided, single submitter. Criteria: Invitae Variant Classification Sherloc (09022015). Collection method: clinical testing. Allele origin: germline.
Comment: In summary, the available evidence is currently insufficient to determine the role of this variant in disease. Therefore, it has been classified as a Variant of Uncertain Significance. Algorithms developed to predict the effect of missense changes on protein structure and function are either unavailable or do not agree on the potential impact of this missense change (SIFT: "Tolerated"; PolyPhen-2: "Possibly Damaging"; Align-GVGD: "Class C0"). This sequence change replaces proline with serine at codon 2033 of the ATR protein (p.Pro2033Ser). The proline residue is moderately conserved and there is a moderate physicochemical difference between proline and serine. This variant has not been reported in the literature in individuals with ATR-related conditions. This variant is not present in population databases (ExAC no frequency).